The following is an entry in ClinVar:

NM_000903.3(NQO1):c.424A>C (p.Lys142Gln)

Gene: NQO1 (NAD(P)H quinone dehydrogenase 1; minus strand). Cytogenetic location: 16q22.1.
Variant type: single nucleotide variant.
Coding change: c.424A>C on transcript NM_000903.3 (MANE Select); coding-DNA position 424, A replaced by C.
Protein change: p.Lys142Gln; replaces lysine 142 with glutamine.
Molecular consequence: missense variant. On other transcripts: intron variant (2).
Genome position (GRCh38, 1-based): chr16:69,713,123, T>G on the plus strand (A>C on the coding strand, the complement: NQO1 is on the minus strand). VCF-style: chr16-69713123-T-G. GRCh37 (hg19) VCF-style: chr16-69747026-T-G.
Other names: c.310A>C, p.Lys104Gln (NM_001025434.2); c.304-1842A>C (NM_001286137.2); c.417+1841A>C (NM_001025433.2); short protein forms K104Q, K142Q.
Identifiers: ClinVar variation 1739054 (VCV001739054.2), dbSNP rs2544322654, ClinGen allele CA396488471.

ClinVar aggregate classification (germline): Uncertain significance (1 of 4 stars; one submission).

Submission:

Ambry Genetics
Classification: Uncertain significance. Last evaluated: 2022-08-04. Review status: criteria provided, single submitter. Criteria: Ambry Variant Classification Scheme 2023. Collection method: clinical testing. Allele origin: germline.
Comment: The p.K142Q variant (also known as c.424A>C), located in coding exon 5 of the NQO1 gene, results from an A to C substitution at nucleotide position 424. The lysine at codon 142 is replaced by glutamine, an amino acid with similar properties. This amino acid position is conserved. In addition, this alteration is predicted to be tolerated by in silico analysis. Since supporting evidence is limited at this time, the clinical significance of this alteration remains unclear.